The following is an entry in ClinVar:

ClinVar aggregate classification (germline): Uncertain significance (1 of 4 stars; one submission).

Allele frequency attached by ClinVar (database versions not stated): gnomAD exomes below 0.00001; TOPMed below 0.00001; gnomAD 0.00001.
gnomAD v4.1: 2 of 1,614,070 alleles (0.00012%); highest among the groups gnomAD compares: African/African-American, 0.0027%; no homozygotes.

Submission:

GeneDx
Classification: Uncertain significance. Last evaluated: 2022-09-13. Review status: criteria provided, single submitter. Criteria: GeneDx Variant Classification Process June 2021. Collection method: clinical testing. Allele origin: germline. Affected: yes.
Comment: Not observed at significant frequency in large population cohorts (gnomAD); In silico analysis supports that this missense variant does not alter protein structure/function; Has not been previously published as pathogenic or benign to our knowledge

NM_007118.4(TRIO):c.6301G>T (p.Val2101Leu)

Gene: TRIO (trio Rho guanine nucleotide exchange factor; plus strand). Cytogenetic location: 5p15.2.
Variant type: single nucleotide variant.
Coding change: c.6301G>T on transcript NM_007118.4 (MANE Select); coding-DNA position 6301, G replaced by T.
Protein change: p.Val2101Leu; replaces valine 2101 with leucine.
Molecular consequence: missense variant. On other transcripts: non-coding transcript variant (1).
Genome position (GRCh38, 1-based): chr5:14,479,976, G>T. VCF-style: chr5-14479976-G-T. GRCh37 (hg19) VCF-style: chr5-14480085-G-T.
Other names: short protein forms V2101L.
Identifiers: ClinVar variation 2443517 (VCV002443517.1), dbSNP rs1755393323, ClinGen allele CA359234412.
Genomic context (GRCh38, chr5:14,479,976, plus strand): 5'-TAGGACTTAAAGCAGCGTCTTGGCCACAGGTTACAGCTCACAGATCTGTTGATCAAACCA[G>T]TGCAGAGAATCATGAAGTATCAGCTGTTACTGAAGGTGAGGAGGTGGCGGGACAAACTCT-3'
Protein context (NP_009049.2, residues 2091-2111): LQLTDLLIKP[Val2101Leu]QRIMKYQLLL